The following is an entry in ClinVar:

NM_000487.6(ARSA):c.1492del (p.Arg498fs)

Gene: ARSA (arylsulfatase A; minus strand). Cytogenetic location: 22q13.33.
Variant type: Deletion.
Coding change: c.1492del on transcript NM_000487.6 (MANE Select); coding-DNA position 1492, one base deleted (C; older notation c.1492delC).
Protein change: p.Arg498fs; shifts the reading frame from arginine 498.
Molecular consequence: frameshift variant.
Genome position (GRCh38, 1-based): chr22:50,625,183, G deleted on the plus strand (C on the coding strand, the reverse complement: ARSA is on the minus strand); the first of 6 consecutive G bases (chr22:50,625,183-50,625,188); deleting any one gives the same sequence. VCF-style (leftmost placement, unchanged base first): chr22-50625182-CG-C. GRCh37 (hg19) VCF-style: chr22-51063610-CG-C.
Other names: c.1492del, p.Arg498fs (NM_001085425.3, NM_001085426.3, NM_001085427.3); c.1234del, p.Arg412fs (NM_001085428.3, NM_001362782.2); short protein forms R412fs, R498fs.
Identifiers: ClinVar variation 2068528 (VCV002068528.3), dbSNP rs774153480, ClinGen allele CA412166882.

ClinVar aggregate classification (germline): Uncertain significance (1 of 4 stars; one submission).

Conditions:
Metachromatic leukodystrophy (MLD). Also called: SULFATIDE LIPIDOSIS; ARSA DEFICIENCY; CEREBROSIDE SULFATASE DEFICIENCY; METACHROMATIC LEUKOENCEPHALOPATHY; Cerebral sclerosis diffuse metachromatic form; Arylsulfatase A Deficiency. Identifiers: Orphanet 512, MedGen C0023522, MONDO:0018868, OMIM 250100.

Submission:

Labcorp Genetics (formerly Invitae), Labcorp
Classification: Uncertain significance for Metachromatic leukodystrophy. Last evaluated: 2024-12-16. Review status: criteria provided, single submitter. Criteria: Invitae Variant Classification Sherloc (09022015). Collection method: clinical testing. Allele origin: germline.
Comment: This sequence change results in a frameshift in the ARSA gene (p.Arg498Alafs*22). While this is not anticipated to result in nonsense mediated decay, it is expected to disrupt the last 12 amino acid(s) of the ARSA protein and extend the protein by 9 additional amino acid residues. This variant is not present in population databases (gnomAD no frequency). This variant has not been reported in the literature in individuals affected with ARSA-related conditions. ClinVar contains an entry for this variant (Variation ID: 2068528). In summary, the available evidence is currently insufficient to determine the role of this variant in disease. Therefore, it has been classified as a Variant of Uncertain Significance.